The following is an entry in ClinVar:

NM_002382.5(MAX):c.223C>T (p.Arg75Ter)

Gene: MAX (MYC associated transcriptional regulator X; minus strand). Cytogenetic location: 14q23.3.
Variant type: single nucleotide variant.
Coding change: c.223C>T on transcript NM_002382.5 (MANE Select); coding-DNA position 223, C replaced by T.
Protein change: p.Arg75Ter; replaces arginine 75 with a stop codon.
Molecular consequence: nonsense. On other transcripts: 5 prime UTR variant (1), intron variant (2).
Genome position (GRCh38, 1-based): chr14:65,077,985, G>A on the plus strand (C>T on the coding strand, the complement: MAX is on the minus strand). VCF-style: chr14-65077985-G-A. GRCh37 (hg19) VCF-style: chr14-65544703-G-A.
Other names: c.-52C>T (NM_001320415.2, NM_001407105.1, NM_001407106.1 and 1 more transcripts); c.223C>T, p.Arg75Ter (NM_001407094.1, NM_001407096.1, NM_001407097.1 and 3 more transcripts); c.196C>T, p.Arg66Ter (NM_001407095.1, NM_001407099.1, NM_001407100.1 and 6 more transcripts); c.115C>T, p.Arg39Ter (NM_001407098.1); c.-145C>T (NM_001407111.1, NM_001407112.1); c.144+15723C>T (NM_001271069.2); c.171+15723C>T (NM_197957.4); short protein forms R75*, R66*, R39*.
Identifiers: ClinVar variation 29786 (VCV000029786.22), dbSNP rs387906650, ClinGen allele CA128639.

ClinVar aggregate classification (germline): Pathogenic. Review status: criteria provided, multiple submitters, no conflicts (2 of 4 stars). 4 submissions from 4 submitters: Pathogenic (3). 1 of the submissions does not count toward it. Last evaluated 2025-03-12.
ClinVar aggregate classification (oncogenicity): Likely oncogenic (1 of 4 stars; one submission).

Conditions:
MULTIPLE ENDOCRINE NEOPLASIA, TYPE V (MEN5). Identifiers: MedGen CN382240, OMIM 621678.
Hereditary cancer-predisposing syndrome. Also called: Neoplastic Syndromes, Hereditary; Tumor predisposition; Hereditary Cancer Syndrome; Hereditary neoplastic syndrome. Identifiers: Orphanet 140162, MedGen C0027672, MeSH D009386, MONDO:0015356.
Hereditary pheochromocytoma and paraganglioma. Also called: Hereditary Paraganglioma-Pheochromocytoma Syndromes; Hereditary paragangliomas and pheochromocytomas; Hereditary pheochromocytoma-paraganglioma. Identifiers: Orphanet 29072, MedGen C4274332, MONDO:0017366.
Neoplasm. Also called: Neoplasms; Neoplasm (disease); tumor. Identifiers: MedGen C0027651, MeSH D009369, MONDO:0005070, HP:0002664.

Allele frequency attached by ClinVar (database versions not stated): TOPMed below 0.00001; gnomAD exomes 0.00001.

Submissions (5):

Ambry Genetics
Classification: Pathogenic for Hereditary cancer-predisposing syndrome. Last evaluated: 2025-03-12. Review status: criteria provided, single submitter. Criteria: Ambry Variant Classification Scheme 2023. Collection method: clinical testing. Allele origin: germline.
Comment: The c.223C>T (p.R75*) alteration, located in exon 4 (coding exon 4) of the MAX gene, consists of a C to T substitution at nucleotide position 223. This changes the amino acid from a arginine (R) to a stop codon at amino acid position 75. This alteration is expected to result in loss of function by premature protein truncation or nonsense-mediated mRNA decay. Based on data from gnomAD, the T allele has an overall frequency of 0.001% (2/251484) total alleles studied. The highest observed frequency was 0.002% (2/113762) of European (non-Finnish) alleles. This variant was originally identified in a family with multiple cases of early-onset bilateral pheochromocytomas (PCC); the PCC tumor of the proband demonstrated absent immunohistochemical staining and loss of heterozygosity for MAX (Comino-M&eacute;ndez, 2011). This pathogenic variant was also described in other individuals with bilateral PCC (Burnichon, 2012; Pczkowska, 2013). Based on the available evidence, this alteration is classified as pathogenic.

Center for Genomic Medicine, Rigshospitalet, Copenhagen University Hospital
Classification: Likely oncogenic for Neoplasm. Last evaluated: 2025-03-04. Review status: criteria provided, single submitter. Criteria: ClinGen/CGC/VICC Guidelines for Oncogenicity, 2022. Collection method: clinical testing. Allele origin: somatic. Affected: yes.

Labcorp Genetics (formerly Invitae), Labcorp
Classification: Pathogenic for Hereditary pheochromocytoma and paraganglioma. Last evaluated: 2024-11-20. Review status: criteria provided, single submitter. Criteria: Invitae Variant Classification Sherloc (09022015). Collection method: clinical testing. Allele origin: germline.
Comment: This sequence change creates a premature translational stop signal (p.Arg75*) in the MAX gene. It is expected to result in an absent or disrupted protein product. Loss-of-function variants in MAX are known to be pathogenic (PMID: 21685915, 26070438). This variant is present in population databases (rs387906650, gnomAD 0.002%). This premature translational stop signal has been observed in individual(s) with bilateral adrenal pheochromoytoma and adrenal pheochromocytoma (PMID: 21685915, 22452945, 23551045). It has also been observed to segregate with disease in related individuals. ClinVar contains an entry for this variant (Variation ID: 29786). For these reasons, this variant has been classified as Pathogenic.

GeneDx
Classification: Pathogenic. Last evaluated: 2023-07-26. Review status: criteria provided, single submitter. Criteria: GeneDx Variant Classification Process June 2021. Collection method: clinical testing. Allele origin: germline. Affected: yes.
Comment: Nonsense variant predicted to result in protein truncation or nonsense mediated decay in a gene for which loss of function is a known mechanism of disease; Not observed at significant frequency in large population cohorts (gnomAD); Also known as c.196C>T p.R66X; This variant is associated with the following publications: (PMID: 25525159, Parisien-La Salle[2022]Abstract, 28152038, 30877234, 31666924, 29625052, 23551045, 21685915, 22452945, 34135865)

OMIM
Classification: Pathogenic for MULTIPLE ENDOCRINE NEOPLASIA, TYPE V. Last evaluated: 2011-06-19. Review status: no assertion criteria provided. Collection method: literature only. Allele origin: germline. Not counted in ClinVar's aggregate classification.

Literature cited by the submitters: PubMed 21685915 (cited by 4 submitters); PubMed 22452945 (cited by 3 submitters); PubMed 23551045 (cited by 3 submitters); PubMed 28152038 (cited by Ambry Genetics); PubMed 26070438 (cited by Labcorp Genetics (formerly Invitae), Labcorp).